The following is an entry in ClinVar:

NM_001134407.3(GRIN2A):c.2797G>A (p.Asp933Asn)

Gene: GRIN2A (glutamate ionotropic receptor NMDA type subunit 2A; minus strand). Cytogenetic location: 16p13.2.
Variant type: single nucleotide variant.
Coding change: c.2797G>A on transcript NM_001134407.3 (MANE Select); coding-DNA position 2797, G replaced by A.
Protein change: p.Asp933Asn; replaces aspartic acid 933 with asparagine.
Molecular consequence: missense variant.
Genome position (GRCh38, 1-based): chr16:9,764,747, C>T on the plus strand (G>A on the coding strand, the complement: GRIN2A is on the minus strand). VCF-style: chr16-9764747-C-T. GRCh37 (hg19) VCF-style: chr16-9858604-C-T.
Other names: c.2797G>A, p.Asp933Asn (NM_000833.5, NM_001134408.2); short protein forms D933N.
Identifiers: ClinVar variation 1303041 (VCV001303041.3), dbSNP rs933322445, ClinGen allele CA277538510.

ClinVar aggregate classification (germline): Uncertain significance (1 of 4 stars; one submission).

Allele frequency attached by ClinVar (database versions not stated): gnomAD exomes below 0.00001.
gnomAD v4.1: 3 of 1,614,192 alleles (0.00019%); highest among the groups gnomAD compares: Non-Finnish European, 0.00025%; no homozygotes.

Submission:

GeneDx
Classification: Uncertain significance. Last evaluated: 2022-08-04. Review status: criteria provided, single submitter. Criteria: GeneDx Variant Classification Process June 2021. Collection method: clinical testing. Allele origin: germline. Affected: yes.
Comment: Identified in an individual with Landau-Kleffner syndrome. Variant was inherited from an unaffected father (Lesca et al., 2013); Functional analysis indicated similar functionality to wild-type protein, but additional evidence is needed to determine the impact of this variant on protein function (Addis et al., 2017); In silico analysis supports that this missense variant does not alter protein structure/function; Not observed at significant frequency in large population cohorts (gnomAD); This variant is associated with the following publications: (PMID: 28242877, 23933820, 33823469, 34097949)